The following is an entry in ClinVar:

ClinVar aggregate classification (germline): Conflicting classifications of pathogenicity. Review status: criteria provided, conflicting classifications (1 of 4 stars). 5 submissions from 5 submitters: Uncertain significance (4); Likely benign (1). Last evaluated 2025-05-01.

Conditions:
Arrhythmogenic cardiomyopathy with wooly hair and keratoderma. Also called: Dilated cardiomyopathy with woolly hair and keratoderma; Arrhythmogenic cardiomyopathy with woolly hair and keratoderma; PALMOPLANTAR KERATODERMA WITH LEFT VENTRICULAR CARDIOMYOPATHY AND WOOLLY HAIR; Carvajal syndrome. Identifiers: Orphanet 65282, MedGen C1854063, MONDO:0011581, OMIM 605676.
Arrhythmogenic right ventricular dysplasia 8 (ARVD8). Also called: Arrhythmogenic Right Ventricular Dysplasia/Cardiomyopathy 8; ARRHYTHMOGENIC RIGHT VENTRICULAR DYSPLASIA, FAMILIAL, 8; ARRHYTHMOGENIC RIGHT VENTRICULAR CARDIOMYOPATHY 8. Identifiers: MedGen C1843896, MONDO:0011831, OMIM 607450.
Cardiomyopathy (CMYO). Also called: Cardiomyopathies. Identifiers: Orphanet 167848, MedGen C0878544, MONDO:0004994, HP:0001638. Inheritance: Various modes of inheritance.

Allele frequency attached by ClinVar (database versions not stated): gnomAD exomes 0.00001 and 0.00004; TOPMed 0.00001; ExAC 0.00004; 1000 Genomes Project 30x 0.00016; 1000 Genomes Project 0.00020; gnomAD 0.00001.

Submissions (5):

Labcorp Genetics (formerly Invitae), Labcorp
Classification: Likely benign for Arrhythmogenic cardiomyopathy with wooly hair and keratoderma; Arrhythmogenic right ventricular dysplasia 8. Last evaluated: 2025-05-01. Review status: criteria provided, single submitter. Criteria: Invitae Variant Classification Sherloc (09022015). Collection method: clinical testing. Allele origin: germline.

All of Us Research Program, National Institutes of Health
Classification: Uncertain significance for Arrhythmogenic cardiomyopathy with wooly hair and keratoderma. Last evaluated: 2024-09-23. Review status: criteria provided, single submitter. Criteria: ACMG Guidelines, 2015. Collection method: clinical testing. Allele origin: germline. Inheritance: Autosomal dominant inheritance. Observed: 2 variant alleles, 2 heterozygotes.
Comment: This missense variant replaces serine with leucine at codon 1841 of the DSP protein. Computational prediction suggests that this variant may not impact protein structure and function (internally defined REVEL score threshold <= 0.5, PMID: 27666373). To our knowledge, functional studies have not been reported for this variant. This variant has not been reported in individuals affected with DSP-related disorders in the literature. This variant has been identified in 9/251370 chromosomes in the general population by the Genome Aggregation Database (gnomAD). The available evidence is insufficient to determine the role of this variant in disease conclusively. Therefore, this variant is classified as a Variant of Uncertain Significance.

This study involves interpretation of variants in research participants for the purpose of population health screening. Participant phenotype was not available at the time of variant classification. Additional details can be found in publication PMID: 35346344, PMCID: PMC8962531

Color Diagnostics, LLC DBA Color Health
Classification: Uncertain significance for Cardiomyopathy. Last evaluated: 2024-03-06. Review status: criteria provided, single submitter. Criteria: ACMG Guidelines, 2015. Collection method: clinical testing. Allele origin: germline.
Comment: This missense variant replaces serine with leucine at codon 1841 of the DSP protein. Computational prediction suggests that this variant may not impact protein structure and function (internally defined REVEL score threshold <= 0.5, PMID: 27666373). To our knowledge, functional studies have not been reported for this variant. This variant has not been reported in individuals affected with DSP-related disorders in the literature. This variant has been identified in 9/251370 chromosomes in the general population by the Genome Aggregation Database (gnomAD). The available evidence is insufficient to determine the role of this variant in disease conclusively. Therefore, this variant is classified as a Variant of Uncertain Significance.

GeneDx
Classification: Uncertain significance. Last evaluated: 2020-09-04. Review status: criteria provided, single submitter. Criteria: GeneDx Variant Classification Process June 2021. Collection method: clinical testing. Allele origin: germline. Affected: yes.
Comment: Has not been previously published as pathogenic or benign to our knowledge; In silico analysis supports that this missense variant does not alter protein structure/function

Laboratory for Molecular Medicine, Mass General Brigham Personalized Medicine
Classification: Uncertain significance. Last evaluated: 2012-11-28. Review status: criteria provided, single submitter. Criteria: LMM Criteria. Collection method: clinical testing. Allele origin: germline. Observed: 1 variant allele.
Comment: Variant classified as Uncertain Significance - Favor Benign. The Ser1841Leu vari ant in DSP has not been reported in the literature nor previously identified by our laboratory. This variant has not been identified in large and broad European American and African American populations by the NHLBI Exome Sequencing Project, though it remains possible that this varia nt is common in other populations. Serine (Ser) at position 1841 is not conserve d in evolution and several species (fish) carry the variant amino acid, suggesti ng that this change may be tolerated. In summary, the lack of conservation suppo rts that the Ser1841Leu variant may be benign, but additional studies are needed to fully assess its clinical significance.

NM_004415.4(DSP):c.5522C>T (p.Ser1841Leu)

Gene: DSP (desmoplakin; plus strand). Cytogenetic location: 6p24.3.
Variant type: single nucleotide variant.
Coding change: c.5522C>T on transcript NM_004415.4 (MANE Select); coding-DNA position 5522, C replaced by T.
Protein change: p.Ser1841Leu; replaces serine 1841 with leucine.
Molecular consequence: missense variant.
Genome position (GRCh38, 1-based): chr6:7,582,784, C>T. VCF-style: chr6-7582784-C-T. GRCh37 (hg19) VCF-style: chr6-7583017-C-T.
Other names: c.3725C>T, p.Ser1242Leu (NM_001008844.3); c.4193C>T, p.Ser1398Leu (NM_001319034.2); short protein forms S1841L, S1242L, S1398L.
Identifiers: ClinVar variation 44930 (VCV000044930.18), dbSNP rs397516947, ClinGen allele CA006489.